The following is an entry in ClinVar:

ClinVar aggregate classification (germline): Conflicting classifications of pathogenicity. Review status: criteria provided, conflicting classifications (1 of 4 stars). 2 submissions from 2 submitters: Likely pathogenic (1); Uncertain significance (1). Last evaluated 2024-02-27.

Conditions:
Acyl-CoA dehydrogenase 9 deficiency. Also called: MITOCHONDRIAL COMPLEX I DEFICIENCY, NUCLEAR TYPE 20; Acyl-CoA dehydrogenase family, member 9, deficiency of. Identifiers: Orphanet 99901, MedGen C4747517, MONDO:0012624, OMIM 611126.

Allele frequency attached by ClinVar (database versions not stated): ExAC 0.00001; gnomAD exomes 0.00001.
gnomAD v4.1: 8 of 1,607,208 alleles (0.0005%); highest among the groups gnomAD compares: African/African-American, 0.0013%; no homozygotes.

Submissions (2):

Service de Génétique Médicale, Centre Hospitalier Universitaire de Nice-Université Côte d'Azur
Classification: Likely pathogenic for Acyl-CoA dehydrogenase 9 deficiency. Last evaluated: 2024-02-27. Review status: criteria provided, single submitter. Criteria: ACMG Guidelines, 2015. Collection method: clinical testing. Allele origin: germline. Affected: yes.

GeneDx
Classification: Uncertain significance. Last evaluated: 2022-06-21. Review status: criteria provided, single submitter. Criteria: GeneDx Variant Classification Process June 2021. Collection method: clinical testing. Allele origin: germline. Affected: yes.
Comment: Has not been previously published as pathogenic or benign to our knowledge; In silico analysis, which includes protein predictors and evolutionary conservation, supports a deleterious effect; Not observed at significant frequency in large population cohorts (gnomAD)

Literature cited by the submitters: PubMed 38703036 (cited by Service de Génétique Médicale, Centre Hospitalier Universitaire de Nice-Université Côte d'Azur).

NM_014049.5(ACAD9):c.445G>A (p.Gly149Ser)

Gene: ACAD9 (acyl-CoA dehydrogenase family member 9; plus strand). Cytogenetic location: 3q21.3.
Variant type: single nucleotide variant.
Coding change: c.445G>A on transcript NM_014049.5 (MANE Select); coding-DNA position 445, G replaced by A.
Protein change: p.Gly149Ser; replaces glycine 149 with serine.
Molecular consequence: missense variant. On other transcripts: non-coding transcript variant (1).
Genome position (GRCh38, 1-based): chr3:128,895,408, G>A. VCF-style: chr3-128895408-G-A. GRCh37 (hg19) VCF-style: chr3-128614251-G-A.
Other names: short protein forms G149S.
Identifiers: ClinVar variation 1304452 (VCV001304452.4), dbSNP rs768769460, ClinGen allele CA2601142.